The following is an entry in ClinVar:

ClinVar aggregate classification (germline): Uncertain significance (1 of 4 stars; one submission).

Submission:

Laboratorio de Genetica e Diagnostico Molecular, Hospital Israelita Albert Einstein
Classification: Uncertain significance. Last evaluated: 2021-04-14. Review status: criteria provided, single submitter. Criteria: ACMG Guidelines, 2015. Collection method: clinical testing. Allele origin: germline. Affected: yes.
Comment: ACMG classification criteria: PM2, BP4

NM_004369.4(COL6A3):c.3620A>G (p.Gln1207Arg)

Gene: COL6A3 (collagen type VI alpha 3 chain; minus strand). Cytogenetic location: 2q37.3.
Variant type: single nucleotide variant.
Coding change: c.3620A>G on transcript NM_004369.4 (MANE Select); coding-DNA position 3620, A replaced by G.
Protein change: p.Gln1207Arg; replaces glutamine 1207 with arginine.
Molecular consequence: missense variant.
Genome position (GRCh38, 1-based): chr2:237,374,471, T>C on the plus strand (A>G on the coding strand, the complement: COL6A3 is on the minus strand). VCF-style: chr2-237374471-T-C. GRCh37 (hg19) VCF-style: chr2-238283114-T-C.
Other names: c.2399A>G, p.Gln800Arg (NM_057164.5); c.3002A>G, p.Gln1001Arg (NM_057165.5, NM_057167.4); c.1799A>G, p.Gln600Arg (NM_057166.5); short protein forms Q1001R, Q1207R, Q600R, Q800R.
Identifiers: ClinVar variation 1690627 (VCV001690627.2), dbSNP rs1298604950, ClinGen allele CA351201659.